The following is an entry in ClinVar:

ClinVar aggregate classification (germline): Pathogenic/Likely pathogenic. Review status: criteria provided, multiple submitters, no conflicts (2 of 4 stars). 5 submissions from 5 submitters: Pathogenic (3); Likely pathogenic (2). Last evaluated 2024-11-27.

Conditions:
Combined malonic and methylmalonic acidemia. Identifiers: Orphanet 289504, MedGen C3280314, MONDO:0013661, OMIM 614265.
ACSF3-related disorder. Also called: ACSF3-related condition.

Allele frequency attached by ClinVar (database versions not stated): TOPMed below 0.00001; ExAC 0.00001; gnomAD exomes 0.00001; gnomAD 0.00002 and 0.00003; 1000 Genomes Project 30x 0.00016; 1000 Genomes Project 0.00020.
gnomAD v4.1: 23 of 1,614,106 alleles (0.0014%); highest among the groups gnomAD compares: Non-Finnish European, 0.0019%; no homozygotes.

Submissions (5):

Natera, Inc.
Classification: Likely pathogenic for Combined malonic and methylmalonic aciduria. Last evaluated: 2024-11-27. Review status: criteria provided, single submitter. Criteria: Natera Variant Classification Schema (03/2026). Collection method: clinical testing. Allele origin: germline.
Comment: The c.424C>T variant in ACSF3 is a nonsense variant predicted to introduce a stop codon at amino acid 142. This variant is expected to result in nonsense mediated decay, truncation, or a dysfunctional protein product. This variant is rare in the general population with a frequency below the threshold expected for the associated phenotype(s). Given the available evidence, this variant is classified as Likely Pathogenic.

Blueprint Genetics
Classification: Pathogenic for ACSF3-related disorders. Last evaluated: 2024-07-15. Review status: criteria provided, single submitter. Criteria: ACMG Guidelines, 2015. Collection method: clinical testing. Allele origin: germline. Affected: yes. Observed: 1 variant allele.

Baylor Genetics
Classification: Pathogenic for Combined malonic and methylmalonic acidemia. Last evaluated: 2023-08-18. Review status: criteria provided, single submitter. Criteria: ACMG Guidelines, 2015. Collection method: clinical testing. Allele origin: unknown.

Labcorp Genetics (formerly Invitae), Labcorp
Classification: Pathogenic for Combined malonic and methylmalonic acidemia. Last evaluated: 2023-04-14. Review status: criteria provided, single submitter. Criteria: Invitae Variant Classification Sherloc (09022015). Collection method: clinical testing. Allele origin: germline.
Comment: This premature translational stop signal has been observed in individual(s) with a positive newborn screening result for ACSF3-related disease (PMID: 30041674). This variant is present in population databases (rs142575695, gnomAD 0.002%). This sequence change creates a premature translational stop signal (p.Gln142*) in the ACSF3 gene. It is expected to result in an absent or disrupted protein product. Loss-of-function variants in ACSF3 are known to be pathogenic (PMID: 21841779, 26827111). ClinVar contains an entry for this variant (Variation ID: 839825). For these reasons, this variant has been classified as Pathogenic.

Department of Pathology and Laboratory Medicine, Sinai Health System
Classification: Likely pathogenic for Combined malonic and methylmalonic acidemia. Last evaluated: 2022-11-21. Review status: criteria provided, single submitter. Criteria: ACMG Guidelines, 2015. Collection method: research. Allele origin: germline.

Literature cited by the submitters: PubMed 30041674 (cited by Labcorp Genetics (formerly Invitae), Labcorp); PubMed 21841779 (cited by Labcorp Genetics (formerly Invitae), Labcorp); PubMed 26827111 (cited by Labcorp Genetics (formerly Invitae), Labcorp).

NM_001243279.3(ACSF3):c.424C>T (p.Gln142Ter)

Gene: ACSF3 (acyl-CoA synthetase family member 3; plus strand). Cytogenetic location: 16q24.3.
Variant type: single nucleotide variant.
Coding change: c.424C>T on transcript NM_001243279.3 (MANE Select); coding-DNA position 424, C replaced by T.
Protein change: p.Gln142Ter; replaces glutamine 142 with a stop codon.
Molecular consequence: nonsense. On other transcripts: non-coding transcript variant (3), intron variant (1).
Genome position (GRCh38, 1-based): chr16:89,101,105, C>T. VCF-style: chr16-89101105-C-T. GRCh37 (hg19) VCF-style: chr16-89167513-C-T.
Other names: c.424C>T, p.Gln142Ter (NM_001127214.4, NM_174917.5); c.-129-1499C>T (NM_001284316.2); short protein forms Q142*.
Identifiers: ClinVar variation 839825 (VCV000839825.15), dbSNP rs142575695, ClinGen allele CA8237653.